The following is an entry in ClinVar:

ClinVar aggregate classification (germline): Uncertain significance (1 of 4 stars; one submission).

Allele frequency attached by ClinVar (database versions not stated): ExAC 0.00012; 1000 Genomes Project 30x 0.00047; gnomAD 0.00024; TOPMed 0.00029; 1000 Genomes Project 0.00040; ESP Exome Variant Server 0.00015.
gnomAD v4.1: 102 of 1,613,824 alleles (0.0063%); highest among the groups gnomAD compares: African/African-American, 0.055%; no homozygotes.

Submission:

Ambry Genetics
Classification: Uncertain significance. Last evaluated: 2026-07-08. Review status: criteria provided, single submitter. Criteria: Ambry Variant Classification Scheme 2023. Collection method: clinical testing. Allele origin: germline.
Comment: The c.1073G>A (p.R358Q) alteration is located in exon 4 (coding exon 3) of the GAL3ST4 gene. This alteration results from a G to A substitution at nucleotide position 1073, causing the arginine (R) at amino acid position 358 to be replaced by a glutamine (Q). Based on data from gnomAD, the A allele has an overall frequency of 0.012% (35/281850) total alleles studied. The highest observed frequency was 0.064% (16/24876) of African alleles. Based on insufficient or conflicting evidence, the clinical significance of this alteration remains unclear.

NM_024637.5(GAL3ST4):c.1073G>A (p.Arg358Gln)

Gene: GAL3ST4 (galactose-3-O-sulfotransferase 4; minus strand). Cytogenetic location: 7q22.1.
Variant type: single nucleotide variant.
Coding change: c.1073G>A on transcript NM_024637.5 (MANE Select); coding-DNA position 1073, G replaced by A.
Protein change: p.Arg358Gln; replaces arginine 358 with glutamine.
Molecular consequence: missense variant.
Genome position (GRCh38, 1-based): chr7:100,160,316, C>T on the plus strand (G>A on the coding strand, the complement: GAL3ST4 is on the minus strand). VCF-style: chr7-100160316-C-T. GRCh37 (hg19) VCF-style: chr7-99757939-C-T.
Other names: short protein forms R358Q.
Identifiers: ClinVar variation 2295622 (VCV002295622.3), dbSNP rs138298556, ClinGen allele CA4377194.